The following is an entry in ClinVar:

NM_017763.6(RNF43):c.2056_2057delinsTG (p.Pro686Cys)

Gene: RNF43 (ring finger protein 43; minus strand). Cytogenetic location: 17q22.
Variant type: Indel.
Coding change: c.2056_2057delinsTG on transcript NM_017763.6 (MANE Select); coding-DNA positions 2056 to 2057, CC replaced by TG.
Protein change: p.Pro686Cys; replaces proline 686 with cysteine.
Molecular consequence: missense variant.
Genome position (GRCh38, 1-based): chr17:58,357,719-58,357,720, GG replaced by CA on the plus strand (CC replaced by TG on the coding strand, the reverse complement: RNF43 is on the minus strand). VCF-style: chr17-58357719-GG-CA. GRCh37 (hg19) VCF-style: chr17-56435080-GG-CA.
Other names: c.2056_2057delinsTG, p.Pro686Cys (NM_001305544.3, NM_001438820.1, NM_001438821.1 and 1 more transcripts); c.1675_1676delinsTG, p.Pro559Cys (NM_001305545.2, NM_001437987.1); short protein forms P559C, P686C.
Identifiers: ClinVar variation 4155746 (VCV004155746.1).

ClinVar aggregate classification (germline): Uncertain significance (1 of 4 stars; one submission).

Submission:

Ambry Genetics
Classification: Uncertain significance. Last evaluated: 2025-07-28. Review status: criteria provided, single submitter. Criteria: Ambry Variant Classification Scheme 2023. Collection method: clinical testing. Allele origin: germline.
Comment: The c.2056_2057delCCinsTG variant (also known as p.P686C), located in coding exon 8 of the RNF43 gene, results from an in-frame deletion of CC and insertion of TG at nucleotide positions 2056 to 2057. This results in the substitution of the proline residue for a cysteine residue at codon 686, an amino acid with highly dissimilar properties. This amino acid position is not well conserved in available vertebrate species. In addition, this variant is predicted to be neutral by in silico analysis (Choi Y et al. PLoS ONE. 2012; 7(10):e46688). Based on the available evidence, the clinical significance of this variant remains unclear.